The following is an entry in ClinVar:

NM_000310.4(PPT1):c.433+5C>G

Gene: PPT1 (palmitoyl-protein thioesterase 1; minus strand). Cytogenetic location: 1p34.2.
Variant type: single nucleotide variant.
Coding change: c.433+5C>G on transcript NM_000310.4 (MANE Select); 5 bases into the intron after coding-DNA position 433, C replaced by G.
Molecular consequence: intron variant.
Genome position (GRCh38, 1-based): chr1:40,091,324, G>C on the plus strand (C>G on the coding strand, the complement: PPT1 is on the minus strand). VCF-style: chr1-40091324-G-C. GRCh37 (hg19) VCF-style: chr1-40556996-G-C.
Other names: c.125-1812C>G (NM_001142604.2); c.433+5C>G (NM_001363695.2).
Identifiers: ClinVar variation 511568 (VCV000511568.1), dbSNP rs1553167414, ClinGen allele CA658795430.

ClinVar aggregate classification (germline): Likely benign (1 of 4 stars; one submission).

Submission:

GeneDx
Classification: Likely benign. Last evaluated: 2017-08-18. Review status: criteria provided, single submitter. Criteria: GeneDx Variant Classification (06012015). Collection method: clinical testing. Allele origin: germline. Affected: yes.
Comment: This variant is considered likely benign or benign based on one or more of the following criteria: it is a conservative change, it occurs at a poorly conserved position in the protein, it is predicted to be benign by multiple in silico algorithms, and/or has population frequency not consistent with disease.